The following is an entry in ClinVar:

ClinVar aggregate classification (germline): Uncertain significance (1 of 4 stars; one submission).

Conditions:
Developmental and epileptic encephalopathy, 1 (DEE1). Also called: X-linked infantile spasms; Epileptic encephalopathy, early infantile, 1; West's syndrome; Tonic spasms with clustering, arrest of psychomotor development and hypsarrhythmia on EEG; X-Linked Infantile Spasm Syndrome; OHTAHARA SYNDROME, X-LINKED. Identifiers: MedGen C3463992, MONDO:0010632, OMIM 308350. Disease mechanism: loss of function.
Autosomal recessive spinocerebellar ataxia 12. Also called: SPINOCEREBELLAR ATAXIA WITH MENTAL RETARDATION AND EPILEPSY. Identifiers: Orphanet 284282, MedGen C3280452, MONDO:0013687, OMIM 614322.

Allele frequency attached by ClinVar (database versions not stated): gnomAD exomes below 0.00001; ExAC 0.00001; 1000 Genomes Project 30x 0.00016; 1000 Genomes Project 0.00020.
gnomAD v4.1: 5 of 1,614,240 alleles (0.00031%); highest among the groups gnomAD compares: Non-Finnish European, 0.00042%; no homozygotes.

Submission:

Labcorp Genetics (formerly Invitae), Labcorp
Classification: Uncertain significance for Developmental and epileptic encephalopathy, 1; Autosomal recessive spinocerebellar ataxia 12. Last evaluated: 2020-11-21. Review status: criteria provided, single submitter. Criteria: Invitae Variant Classification Sherloc (09022015). Collection method: clinical testing. Allele origin: germline.
Comment: In summary, the available evidence is currently insufficient to determine the role of this variant in disease. Therefore, it has been classified as a Variant of Uncertain Significance. Algorithms developed to predict the effect of missense changes on protein structure and function are either unavailable or do not agree on the potential impact of this missense change (SIFT: "Not Available"; PolyPhen-2: "Probably Damaging"; Align-GVGD: "Not Available"). This variant has not been reported in the literature in individuals with WWOX-related conditions. This variant is present in population databases (rs200371768, ExAC 0.001%). This sequence change replaces proline with arginine at codon 88 of the WWOX protein (p.Pro88Arg). The proline residue is highly conserved and there is a moderate physicochemical difference between proline and arginine.

NM_016373.4(WWOX):c.263C>G (p.Pro88Arg)

Gene: WWOX (WW domain containing oxidoreductase; plus strand). Cytogenetic location: 16q23.1.
Variant type: single nucleotide variant.
Coding change: c.263C>G on transcript NM_016373.4 (MANE Select); coding-DNA position 263, C replaced by G.
Protein change: p.Pro88Arg; replaces proline 88 with arginine.
Molecular consequence: missense variant. On other transcripts: 5 prime UTR variant (1), non-coding transcript variant (1).
Genome position (GRCh38, 1-based): chr16:78,115,008, C>G. VCF-style: chr16-78115008-C-G. GRCh37 (hg19) VCF-style: chr16-78148905-C-G.
Other names: c.-77C>G (NM_001291997.2); c.263C>G, p.Pro88Arg (NM_130791.5); short protein forms P88R.
Identifiers: ClinVar variation 1370179 (VCV001370179.6), dbSNP rs200371768, ClinGen allele CA8183135.